The following is an entry in ClinVar:

ClinVar aggregate classification (germline): Likely benign (1 of 4 stars; one submission).

Allele frequency attached by ClinVar (database versions not stated): gnomAD exomes below 0.00001.
gnomAD v4.1: 1 of 1,613,900 alleles (0.000062%); highest among the groups gnomAD compares: Non-Finnish European, 0.000085%; no homozygotes.

Submission:

CeGaT Center for Human Genetics Tuebingen
Classification: Likely benign. Last evaluated: 2023-08-01. Review status: criteria provided, single submitter. Criteria: CeGaT Center For Human Genetics Tuebingen Variant Classification Criteria Version 2. Collection method: clinical testing. Allele origin: germline. Affected: yes. Observed: 1 variant allele.
Comment: HDC: PM2:Supporting, BP4, BP7

NM_002112.4(HDC):c.813C>T (p.His271=)

Gene: HDC (histidine decarboxylase; minus strand). Cytogenetic location: 15q21.2.
Variant type: single nucleotide variant.
Coding change: c.813C>T on transcript NM_002112.4 (MANE Select); coding-DNA position 813, C replaced by T.
Protein change: p.His271=; no amino-acid change (histidine 271 retained).
Molecular consequence: synonymous variant.
Genome position (GRCh38, 1-based): chr15:50,252,749, G>A on the plus strand (C>T on the coding strand, the complement: HDC is on the minus strand). VCF-style: chr15-50252749-G-A. GRCh37 (hg19) VCF-style: chr15-50544946-G-A.
Other names: c.813C>T, p.His271= (NM_001306146.2).
Identifiers: ClinVar variation 2645325 (VCV002645325.24), dbSNP rs2509355499, ClinGen allele CA490066051.